The following is an entry in ClinVar:

ClinVar aggregate classification (germline): Uncertain significance. Review status: criteria provided, multiple submitters, no conflicts (2 of 4 stars). 2 submissions from 2 submitters: Uncertain significance (2). Last evaluated 2024-04-22.

Conditions:
Inborn genetic diseases. Identifiers: MedGen C0950123, MeSH D030342.

Allele frequency attached by ClinVar (database versions not stated): ExAC 0.00003; gnomAD 0.00003 and 0.00004; gnomAD exomes 0.00003; TOPMed 0.00003; ESP Exome Variant Server 0.00016.
gnomAD v4.1: 43 of 1,611,216 alleles (0.0027%); highest among the groups gnomAD compares: Non-Finnish European, 0.0032%; no homozygotes.

Submissions (2):

Ambry Genetics
Classification: Uncertain significance for Inborn genetic diseases. Last evaluated: 2024-04-22. Review status: criteria provided, single submitter. Criteria: Ambry Variant Classification Scheme 2023. Collection method: clinical testing. Allele origin: germline.

GeneDx
Classification: Uncertain significance. Last evaluated: 2020-09-21. Review status: criteria provided, single submitter. Criteria: GeneDx Variant Classification Process June 2021. Collection method: clinical testing. Allele origin: germline. Affected: yes.
Comment: In silico analysis, which includes protein predictors and evolutionary conservation, supports a deleterious effect; Has not been previously published as pathogenic or benign to our knowledge

NM_001080453.3(INTS1):c.3286C>T (p.Arg1096Cys)

Gene: INTS1 (integrator complex subunit 1; minus strand). Cytogenetic location: 7p22.3.
Variant type: single nucleotide variant.
Coding change: c.3286C>T on transcript NM_001080453.3 (MANE Select); coding-DNA position 3286, C replaced by T.
Protein change: p.Arg1096Cys; replaces arginine 1096 with cysteine.
Molecular consequence: missense variant.
Genome position (GRCh38, 1-based): chr7:1,484,146, G>A on the plus strand (C>T on the coding strand, the complement: INTS1 is on the minus strand). VCF-style: chr7-1484146-G-A. GRCh37 (hg19) VCF-style: chr7-1523782-G-A.
Other names: short protein forms R1096C.
Identifiers: ClinVar variation 1214146 (VCV001214146.4), dbSNP rs373184951, ClinGen allele CA4119374.